The following is an entry in ClinVar:

ClinVar aggregate classification (germline): Uncertain significance (1 of 4 stars; one submission).

Conditions:
Genitopatellar syndrome (GTPTS). Also called: ABSENT PATELLAE, SCROTAL HYPOPLASIA, RENAL ANOMALIES, FACIAL DYSMORPHISM, AND MENTAL RETARDATION; Genitopatellar syndrome (GPS). Identifiers: Orphanet 85201, MedGen C1853566, MONDO:0011640, OMIM 606170.

Submission:

Labcorp Genetics (formerly Invitae), Labcorp
Classification: Uncertain significance for Genitopatellar syndrome. Last evaluated: 2022-08-09. Review status: criteria provided, single submitter. Criteria: Invitae Variant Classification Sherloc (09022015). Collection method: clinical testing. Allele origin: germline.
Comment: This variant has not been reported in the literature in individuals affected with KAT6B-related conditions. This sequence change creates a premature translational stop signal (p.Pro77Leufs*35) in the KAT6B gene. However, it is currently unclear if variants that occur in this region of the gene cause disease. This variant is not present in population databases (gnomAD no frequency). Experimental studies and prediction algorithms are not available or were not evaluated, and the functional significance of this variant is currently unknown. In summary, the available evidence is currently insufficient to determine the role of this variant in disease. Therefore, it has been classified as a Variant of Uncertain Significance.

NM_012330.4(KAT6B):c.230del (p.Pro77fs)

Gene: KAT6B (lysine acetyltransferase 6B; plus strand). Cytogenetic location: 10q22.2.
Variant type: Deletion.
Coding change: c.230del on transcript NM_012330.4 (MANE Select); coding-DNA position 230, one base deleted (C; older notation c.230delC).
Protein change: p.Pro77fs; shifts the reading frame from proline 77.
Molecular consequence: frameshift variant. On other transcripts: 5 prime UTR variant (2).
Genome position (GRCh38, 1-based): chr10:74,843,087, C deleted; the last of 3 consecutive C bases (chr10:74,843,085-74,843,087); deleting any one gives the same sequence. VCF-style (leftmost placement, unchanged base first): chr10-74843084-AC-A. GRCh37 (hg19) VCF-style: chr10-76602842-AC-A.
Other names: c.230del, p.Pro77fs (NM_001256468.2, NM_001256469.2, NM_001370132.1 and 10 more transcripts); c.-309del (NM_001370134.1, NM_001370135.1); short protein forms P77fs.
Identifiers: ClinVar variation 2015064 (VCV002015064.4), dbSNP rs2548334026, ClinGen allele CA2580081958.